The following is an entry in ClinVar:

NM_012338.4(TSPAN12):c.67-2A>C

Gene: TSPAN12 (tetraspanin 12; minus strand). Cytogenetic location: 7q31.31.
Variant type: single nucleotide variant.
Coding change: c.67-2A>C on transcript NM_012338.4 (MANE Select); the canonical splice acceptor site of the intron before coding-DNA position 67, A replaced by C.
Molecular consequence: splice acceptor variant.
Genome position (GRCh38, 1-based): chr7:120,840,111, T>G on the plus strand (A>C on the coding strand, the complement: TSPAN12 is on the minus strand). VCF-style: chr7-120840111-T-G. GRCh37 (hg19) VCF-style: chr7-120480165-T-G.
Identifiers: ClinVar variation 2028147 (VCV002028147.4), dbSNP rs1057518477, ClinGen allele CA369141653.

ClinVar aggregate classification (germline): Pathogenic (1 of 4 stars; one submission).

Submission:

Labcorp Genetics (formerly Invitae), Labcorp
Classification: Pathogenic. Last evaluated: 2022-09-14. Review status: criteria provided, single submitter. Criteria: Invitae Variant Classification Sherloc (09022015). Collection method: clinical testing. Allele origin: germline.
Comment: For these reasons, this variant has been classified as Pathogenic. Algorithms developed to predict the effect of sequence changes on RNA splicing suggest that this variant may disrupt the consensus splice site. Disruption of this splice site has been observed in individuals with familial exudative vitreoretinopathy (PMID: 28758032, 30452590). This variant is not present in population databases (gnomAD no frequency). This sequence change affects an acceptor splice site in intron 2 of the TSPAN12 gene. It is expected to disrupt RNA splicing. Variants that disrupt the donor or acceptor splice site typically lead to a loss of protein function (PMID: 16199547), and loss-of-function variants in TSPAN12 are known to be pathogenic (PMID: 20159112, 21334594).

Literature cited by the submitters: PubMed 28758032; PubMed 30452590; PubMed 16199547; PubMed 20159112; PubMed 21334594.